The following is an entry in ClinVar:

ClinVar aggregate classification (germline): Uncertain significance. Review status: criteria provided, multiple submitters, no conflicts (2 of 4 stars). 3 submissions from 3 submitters: Uncertain significance (2). 1 of the submissions does not count toward it. Last evaluated 2025-11-11.

Conditions:
Fanconi anemia (FA). Also called: Fanconi's anemia. Identifiers: Orphanet 84, MedGen C0015625, MeSH D005199, MONDO:0019391.
Inborn genetic diseases. Identifiers: MedGen C0950123, MeSH D030342.

Submissions (3):

Labcorp Genetics (formerly Invitae), Labcorp
Classification: Uncertain significance for Fanconi anemia. Last evaluated: 2025-11-11. Review status: criteria provided, single submitter. Criteria: Invitae Variant Classification Sherloc (09022015). Collection method: clinical testing. Allele origin: germline.
Comment: This sequence change replaces arginine, which is basic and polar, with proline, which is neutral and non-polar, at codon 460 of the FANCA protein (p.Arg460Pro). This variant is not present in population databases (gnomAD no frequency). This variant has not been reported in the literature in individuals affected with FANCA-related conditions. ClinVar contains an entry for this variant (Variation ID: 4067928). Invitae Evidence Modeling of protein sequence and biophysical properties (such as structural, functional, and spatial information, amino acid conservation, physicochemical variation, residue mobility, and thermodynamic stability) has been performed for this missense variant. However, the output from this modeling did not meet the statistical confidence thresholds required to predict the impact of this variant on FANCA protein function. In summary, the available evidence is currently insufficient to determine the role of this variant in disease. Therefore, it has been classified as a Variant of Uncertain Significance.

Ambry Genetics
Classification: Uncertain significance for Inborn genetic diseases. Last evaluated: 2025-07-09. Review status: criteria provided, single submitter. Criteria: Ambry Variant Classification Scheme 2023. Collection method: clinical testing. Allele origin: germline.
Comment: The p.R460P variant (also known as c.1379G>C), located in coding exon 15 of the FANCA gene, results from a G to C substitution at nucleotide position 1379. The arginine at codon 460 is replaced by proline, an amino acid with dissimilar properties. This amino acid position is conserved. In addition, the in silico prediction for this alteration is inconclusive. Based on the available evidence, the clinical significance of this variant remains unclear.

Natera, Inc.
Classification: Uncertain significance for Fanconi anemia. Last evaluated: 2025-05-21. Review status: no assertion criteria provided. Collection method: clinical testing. Allele origin: germline. Not counted in ClinVar's aggregate classification.

NM_000135.4(FANCA):c.1379G>C (p.Arg460Pro)

Gene: FANCA (FA complementation group A; minus strand). Cytogenetic location: 16q24.3.
Variant type: single nucleotide variant.
Coding change: c.1379G>C on transcript NM_000135.4 (MANE Select); coding-DNA position 1379, G replaced by C.
Protein change: p.Arg460Pro; replaces arginine 460 with proline.
Molecular consequence: missense variant.
Genome position (GRCh38, 1-based): chr16:89,784,945, C>G on the plus strand (G>C on the coding strand, the complement: FANCA is on the minus strand). VCF-style: chr16-89784945-C-G. GRCh37 (hg19) VCF-style: chr16-89851353-C-G.
Other names: c.1379G>C, p.Arg460Pro (NM_001286167.3); short protein forms R460P.
Identifiers: ClinVar variation 4067928 (VCV004067928.3).